The following is an entry in ClinVar:

NM_001128178.3(NPHP1):c.242G>A (p.Arg81Lys)

Gene: NPHP1 (nephrocystin 1; minus strand). Cytogenetic location: 2q13.
Variant type: single nucleotide variant.
Coding change: c.242G>A on transcript NM_001128178.3 (MANE Select); coding-DNA position 242, G replaced by A.
Protein change: p.Arg81Lys; replaces arginine 81 with lysine.
Molecular consequence: missense variant. On other transcripts: intron variant (1).
Genome position (GRCh38, 1-based): chr2:110,178,510, C>T on the plus strand (G>A on the coding strand, the complement: NPHP1 is on the minus strand). VCF-style: chr2-110178510-C-T. GRCh37 (hg19) VCF-style: chr2-110936087-C-T.
Other names: c.242G>A, p.Arg81Lys (NM_000272.5, NM_001374256.1, NM_001374257.1 and 1 more transcripts); c.144-8512G>A (NM_001128179.3); short protein forms R81K.
Identifiers: ClinVar variation 1014274 (VCV001014274.7), dbSNP rs762244069, ClinGen allele CA1827460.

ClinVar aggregate classification (germline): Uncertain significance. Review status: criteria provided, multiple submitters, no conflicts (2 of 4 stars). 2 submissions from 2 submitters: Uncertain significance (2). Last evaluated 2022-02-02.

Conditions:
Nephronophthisis. Also called: Juvenile Nephronophthisis. Identifiers: Orphanet 655, MedGen C0687120, MONDO:0019005, HP:0000090.
Joubert syndrome with renal defect. Also called: JOUBERT SYNDROME 4. Identifiers: Orphanet 220497, MedGen C1846790, MONDO:0012308, OMIM 609583.
Nephronophthisis 1 (NPHP1). Also called: Nephronophthisis familial juvenile. Identifiers: Orphanet 655, Orphanet 93592, MedGen C1855681, MONDO:0009728, OMIM 256100.
Senior-Loken syndrome 1 (SLSN1). Also called: JUVENILE NEPHRONOPHTHISIS WITH LEBER AMAUROSIS. Identifiers: Orphanet 3156, MedGen C4551559, MONDO:0009962, OMIM 266900.

Allele frequency attached by ClinVar (database versions not stated): gnomAD exomes 0.00001 and 0.00002; ExAC 0.00002; TOPMed 0.00002.
gnomAD v4.1: 8 of 1,613,740 alleles (0.0005%); highest among the groups gnomAD compares: Admixed American, 0.013%; no homozygotes.

Submissions (2):

Labcorp Genetics (formerly Invitae), Labcorp
Classification: Uncertain significance for Nephronophthisis. Last evaluated: 2022-02-02. Review status: criteria provided, single submitter. Criteria: Invitae Variant Classification Sherloc (09022015). Collection method: clinical testing. Allele origin: germline.
Comment: This sequence change replaces arginine, which is basic and polar, with lysine, which is basic and polar, at codon 81 of the NPHP1 protein (p.Arg81Lys). This variant is present in population databases (rs762244069, gnomAD 0.01%). This variant has not been reported in the literature in individuals affected with NPHP1-related conditions. ClinVar contains an entry for this variant (Variation ID: 1014274). Algorithms developed to predict the effect of missense changes on protein structure and function output the following: SIFT: "Tolerated"; PolyPhen-2: "Benign"; Align-GVGD: "Class C0". The lysine amino acid residue is found in multiple mammalian species, which suggests that this missense change does not adversely affect protein function. In summary, the available evidence is currently insufficient to determine the role of this variant in disease. Therefore, it has been classified as a Variant of Uncertain Significance.

Fulgent Genetics
Classification: Uncertain significance for Nephronophthisis 1; Senior-Loken syndrome 1; Joubert syndrome with renal defect. Last evaluated: 2021-10-23. Review status: criteria provided, single submitter. Criteria: ACMG Guidelines, 2015. Collection method: clinical testing. Allele origin: unknown.